The following is an entry in ClinVar:

ClinVar aggregate classification (germline): Uncertain significance (1 of 4 stars; one submission).

Allele frequency attached by ClinVar (database versions not stated): gnomAD 0.00001 and 0.00002; TOPMed 0.00001; 1000 Genomes Project 30x 0.00016.

Submission:

Labcorp Genetics (formerly Invitae), Labcorp
Classification: Uncertain significance. Last evaluated: 2021-08-26. Review status: criteria provided, single submitter. Criteria: Invitae Variant Classification Sherloc (09022015). Collection method: clinical testing. Allele origin: germline.
Comment: This sequence change replaces glycine with aspartic acid at codon 701 of the EYS protein (p.Gly701Asp). The glycine residue is highly conserved and there is a moderate physicochemical difference between glycine and aspartic acid. This variant is not present in population databases (ExAC no frequency). This variant has not been reported in the literature in individuals affected with EYS-related conditions. Algorithms developed to predict the effect of missense changes on protein structure and function are either unavailable or do not agree on the potential impact of this missense change (SIFT: "Tolerated"; PolyPhen-2: "Probably Damaging"; Align-GVGD: "Class C0"). In summary, the available evidence is currently insufficient to determine the role of this variant in disease. Therefore, it has been classified as a Variant of Uncertain Significance.

NM_001142800.2(EYS):c.2102G>A (p.Gly701Asp)

Gene: EYS (eyes shut homolog; minus strand). Cytogenetic location: 6q12.
Variant type: single nucleotide variant.
Coding change: c.2102G>A on transcript NM_001142800.2 (MANE Select); coding-DNA position 2102, G replaced by A.
Protein change: p.Gly701Asp; replaces glycine 701 with aspartic acid.
Molecular consequence: missense variant.
Genome position (GRCh38, 1-based): chr6:65,057,649, C>T on the plus strand (G>A on the coding strand, the complement: EYS is on the minus strand). VCF-style: chr6-65057649-C-T. GRCh37 (hg19) VCF-style: chr6-65767542-C-T.
Other names: c.2102G>A, p.Gly701Asp (NM_001292009.2); short protein forms G701D.
Identifiers: ClinVar variation 1508440 (VCV001508440.5), dbSNP rs1027731148, ClinGen allele CA140397902.
Genomic context (GRCh38, chr6:65,057,649, plus strand): 5'-TTCCTTATCCCTTGGTGTTCATTACCTTTAAATGGAGGCACACACTGGCAGAAGTAATTA[C>T]CAGGTTGGTCAATGCAGGTGGCTCCATTTTTGCAGGGATGTGAAGCACACTCATCTATAT-3'
Protein context (NP_001136272.1, residues 691-711): KNGATCIDQP[Gly701Asp]NYFCQCVPPF